The following is an entry in ClinVar:

ClinVar aggregate classification (germline): Uncertain significance (1 of 4 stars; one submission).

Submission:

Labcorp Genetics (formerly Invitae), Labcorp
Classification: Uncertain significance. Last evaluated: 2024-11-29. Review status: criteria provided, single submitter. Criteria: Invitae Variant Classification Sherloc (09022015). Collection method: clinical testing. Allele origin: germline.
Comment: This sequence change replaces aspartic acid, which is acidic and polar, with alanine, which is neutral and non-polar, at codon 162 of the NDUFB11 protein (p.Asp162Ala). This variant is not present in population databases (gnomAD no frequency). This variant has not been reported in the literature in individuals affected with NDUFB11-related conditions. An algorithm developed to predict the effect of missense changes on protein structure and function (PolyPhen-2) suggests that this variant is likely to be disruptive. In summary, the available evidence is currently insufficient to determine the role of this variant in disease. Therefore, it has been classified as a Variant of Uncertain Significance.

NM_001135998.3(NDUFB11):c.455A>C (p.Asp152Ala)

Gene: NDUFB11 (NADH:ubiquinone oxidoreductase subunit B11; minus strand). Cytogenetic location: Xp11.3.
Variant type: single nucleotide variant.
Coding change: c.455A>C on transcript NM_001135998.3 (MANE Select); coding-DNA position 455, A replaced by C.
Protein change: p.Asp152Ala; replaces aspartic acid 152 with alanine.
Molecular consequence: missense variant.
Genome position (GRCh38, 1-based): chrX:47,142,324, T>G on the plus strand (A>C on the coding strand, the complement: NDUFB11 is on the minus strand). VCF-style: chrX-47142324-T-G. GRCh37 (hg19) VCF-style: chrX-47001723-T-G.
Other names: c.485A>C, p.Asp162Ala (NM_019056.7); short protein forms D162A, D152A.
Identifiers: ClinVar variation 3726203 (VCV003726203.2).